The following is an entry in ClinVar:

NM_006846.4(SPINK5):c.2825G>A (p.Gly942Glu)

Gene: SPINK5 (serine peptidase inhibitor Kazal type 5; plus strand). Cytogenetic location: 5q32.
Variant type: single nucleotide variant.
Coding change: c.2825G>A on transcript NM_006846.4 (MANE Select); coding-DNA position 2825, G replaced by A.
Protein change: p.Gly942Glu; replaces glycine 942 with glutamic acid.
Molecular consequence: missense variant.
Genome position (GRCh38, 1-based): chr5:148,125,808, G>A. VCF-style: chr5-148125808-G-A. GRCh37 (hg19) VCF-style: chr5-147505371-G-A.
Other names: c.2915G>A, p.Gly972Glu (NM_001127698.2); short protein forms G942E, G972E.
Identifiers: ClinVar variation 940031 (VCV000940031.11), dbSNP rs368229591, ClinGen allele CA128941444.

ClinVar aggregate classification (germline): Uncertain significance. Review status: criteria provided, multiple submitters, no conflicts (2 of 4 stars). 4 submissions from 4 submitters: Uncertain significance (4). Last evaluated 2024-12-16.

Conditions:
Netherton syndrome (NETH). Also called: NETHERTON DISEASE; ERYTHRODERMA, ICHTHYOSIFORM, WITH HYPOTRICHOSIS AND HYPER-IgE; COMEL-NETHERTON SYNDROME. Identifiers: Orphanet 634, MedGen C5574950, MONDO:0009735, OMIM 256500.
Ichthyosis linearis circumflexa. Identifiers: MedGen C0265962, MONDO:0043106, HP:0025810.
Inborn genetic diseases. Identifiers: MedGen C0950123, MeSH D030342.

Allele frequency attached by ClinVar (database versions not stated): gnomAD exomes below 0.00001; TOPMed below 0.00001; gnomAD 0.00001.
gnomAD v4.1: 12 of 1,614,054 alleles (0.00074%); highest among the groups gnomAD compares: African/African-American, 0.0093%; no homozygotes.

Submissions (4):

Labcorp Genetics (formerly Invitae), Labcorp
Classification: Uncertain significance for Ichthyosis linearis circumflexa. Last evaluated: 2024-12-16. Review status: criteria provided, single submitter. Criteria: Invitae Variant Classification Sherloc (09022015). Collection method: clinical testing. Allele origin: germline.
Comment: This sequence change replaces glycine, which is neutral and non-polar, with glutamic acid, which is acidic and polar, at codon 942 of the SPINK5 protein (p.Gly942Glu). This variant is present in population databases (rs368229591, gnomAD 0.01%). This variant has not been reported in the literature in individuals affected with SPINK5-related conditions. ClinVar contains an entry for this variant (Variation ID: 940031). An algorithm developed to predict the effect of missense changes on protein structure and function (PolyPhen-2) suggests that this variant is likely to be disruptive. In summary, the available evidence is currently insufficient to determine the role of this variant in disease. Therefore, it has been classified as a Variant of Uncertain Significance.

Ambry Genetics
Classification: Uncertain significance for Inborn genetic diseases. Last evaluated: 2024-12-10. Review status: criteria provided, single submitter. Criteria: Ambry Variant Classification Scheme 2023. Collection method: clinical testing. Allele origin: germline.

Baylor Genetics
Classification: Uncertain significance for Netherton syndrome. Last evaluated: 2020-08-01. Review status: criteria provided, single submitter. Criteria: ACMG Guidelines, 2015. Collection method: clinical testing. Allele origin: unknown. Affected: yes.
Comment: This variant was determined to be of uncertain significance according to ACMG Guidelines, 2015 [PMID:25741868].

Blueprint Genetics
Classification: Uncertain significance. Last evaluated: 2018-06-07. Review status: criteria provided, single submitter. Criteria: ACMG Guidelines, 2015. Collection method: clinical testing. Allele origin: germline.